The following is an entry in ClinVar:

ClinVar aggregate classification (germline): Uncertain significance. Review status: criteria provided, multiple submitters, no conflicts (2 of 4 stars). 4 submissions from 4 submitters: Uncertain significance (4). Last evaluated 2025-11-01.

Conditions:
Developmental and epileptic encephalopathy, 18 (DEE18). Also called: Early infantile epileptic encephalopathy 18. Identifiers: Orphanet 369894, MedGen C3809624, MONDO:0014201, OMIM 615476.

Allele frequency attached by ClinVar (database versions not stated): gnomAD exomes 0.00001; ExAC 0.00003; 1000 Genomes Project 0.00020; 1000 Genomes Project 30x 0.00031.
gnomAD v4.1: 8 of 1,613,910 alleles (0.0005%); highest among the groups gnomAD compares: East Asian, 0.0022%; no homozygotes.

Submissions (4):

CeGaT Center for Human Genetics Tuebingen
Classification: Uncertain significance. Last evaluated: 2025-11-01. Review status: criteria provided, single submitter. Criteria: CeGaT Center For Human Genetics Tuebingen Variant Classification Criteria Version 2. Collection method: clinical testing. Allele origin: germline. Affected: yes. Observed: 1 variant allele.
Comment: SZT2: PM2

Genome-Nilou Lab
Classification: Uncertain significance for Developmental and epileptic encephalopathy, 18. Last evaluated: 2023-04-11. Review status: criteria provided, single submitter. Criteria: ACMG Guidelines, 2015. Collection method: clinical testing. Allele origin: germline. Affected: no.

Labcorp Genetics (formerly Invitae), Labcorp
Classification: Uncertain significance. Last evaluated: 2021-11-15. Review status: criteria provided, single submitter. Criteria: Invitae Variant Classification Sherloc (09022015). Collection method: clinical testing. Allele origin: germline.
Comment: In summary, the available evidence is currently insufficient to determine the role of this variant in disease. Therefore, it has been classified as a Variant of Uncertain Significance. Algorithms developed to predict the effect of missense changes on protein structure and function are either unavailable or do not agree on the potential impact of this missense change (SIFT: "Tolerated"; PolyPhen-2: "Probably Damaging"; Align-GVGD: "Class C0"). ClinVar contains an entry for this variant (Variation ID: 1030484). This variant has not been reported in the literature in individuals affected with SZT2-related conditions. The frequency data for this variant in the population databases is considered unreliable, as metrics indicate poor data quality at this position in the gnomAD database. This sequence change replaces valine, which is neutral and non-polar, with methionine, which is neutral and non-polar, at codon 2997 of the SZT2 protein (p.Val2997Met).

Baylor Genetics
Classification: Uncertain significance for Developmental and epileptic encephalopathy, 18. Last evaluated: 2020-11-13. Review status: criteria provided, single submitter. Criteria: ACMG Guidelines, 2015. Collection method: clinical testing. Allele origin: unknown. Affected: yes.
Comment: This variant was determined to be of uncertain significance according to ACMG Guidelines, 2015 [PMID:25741868].

NM_001365999.1(SZT2):c.9160G>A (p.Val3054Met)

Gene: SZT2 (SZT2 subunit of KICSTOR complex; plus strand). Cytogenetic location: 1p34.2.
Variant type: single nucleotide variant.
Coding change: c.9160G>A on transcript NM_001365999.1 (MANE Select); coding-DNA position 9160, G replaced by A.
Protein change: p.Val3054Met; replaces valine 3054 with methionine.
Molecular consequence: missense variant.
Genome position (GRCh38, 1-based): chr1:43,447,042, G>A. VCF-style: chr1-43447042-G-A. GRCh37 (hg19) VCF-style: chr1-43912713-G-A.
Other names: c.8989G>A, p.Val2997Met (NM_015284.4); short protein forms V2997M, V3054M.
Identifiers: ClinVar variation 1030484 (VCV001030484.14), dbSNP rs565123375, ClinGen allele CA810836.